The following is an entry in ClinVar:

NM_001375524.1(TRRAP):c.9407A>G (p.Lys3136Arg)

Gene: TRRAP (transformation/transcription domain associated protein; plus strand). Cytogenetic location: 7q22.1.
Variant type: single nucleotide variant.
Coding change: c.9407A>G on transcript NM_001375524.1 (MANE Select); coding-DNA position 9407, A replaced by G.
Protein change: p.Lys3136Arg; replaces lysine 3136 with arginine.
Molecular consequence: missense variant.
Genome position (GRCh38, 1-based): chr7:98,988,782, A>G. VCF-style: chr7-98988782-A-G. GRCh37 (hg19) VCF-style: chr7-98586405-A-G.
Other names: c.9419A>G, p.Lys3140Arg (NM_001244580.2); c.9332A>G, p.Lys3111Arg (NM_003496.4); short protein forms K3111R, K3136R, K3140R.
Identifiers: ClinVar variation 4293480 (VCV004293480.2).

ClinVar aggregate classification (germline): Uncertain significance. Review status: criteria provided, multiple submitters, no conflicts (2 of 4 stars). 2 submissions from 2 submitters: Uncertain significance (2). Last evaluated 2026-10-01.

Conditions:
Developmental delay with or without dysmorphic facies and autism. Identifiers: MedGen C5193106, MONDO:0032760, OMIM 618454.

Submissions (2):

CeGaT Center for Human Genetics Tuebingen
Classification: Uncertain significance. Last evaluated: 2026-10-01. Review status: criteria provided, single submitter. Criteria: CeGaT Center For Human Genetics Tuebingen Variant Classification Criteria Version 2. Collection method: clinical testing. Allele origin: germline. Affected: yes. Observed: 1 variant allele.
Comment: TRRAP: PM2, PP2, PP3

3billion
Classification: Uncertain significance for Developmental delay with or without dysmorphic facies and autism. Last evaluated: 2024-07-03. Review status: criteria provided, single submitter. Criteria: ACMG Guidelines, 2015. Collection method: clinical testing. Allele origin: germline. Affected: yes.
Comment: The variant is not observed in the gnomAD v4.0.0 dataset. Predicted Consequence/Location: Missense changes are a common disease-causing mechanism. Damaging effect on gene or gene product predicted by in silico programs is uncertain [REVEL: 0.48 (damaging >=0.6, benign <0.4), 3Cnet: 0.45 (damaging >=0.6, benign <0.15)]. Therefore, this variant is classified as VUS according to the recommendation of ACMG/AMP guideline.